The following is an entry in ClinVar:

ClinVar aggregate classification (germline): Pathogenic (1 of 4 stars; one submission).

Submission:

GeneDx
Classification: Pathogenic. Last evaluated: 2018-06-01. Review status: criteria provided, single submitter. Criteria: GeneDx Variant Classification (06012015). Collection method: clinical testing. Allele origin: germline. Affected: yes.
Comment: The c.391_392insSVA variant in the RPL11 gene has not been reported previously as a pathogenic variant nor as a benign variant, to our knowledge. Mobile insertion elements, including retrotransposon-mediated events such as SVA elements, are estimated to account for 1 in 600 disease causing variants (Kazazian et al., 1999; Ostertag et al., 2003). We interpret c.391_392insSVA as a pathogenic variant.

NM_000975.5(RPL11):c.391_392insSVAelement

Gene: RPL11 (ribosomal protein L11; plus strand). Cytogenetic location: 1p36.11.
Variant type: Insertion.
Coding change: c.391_392insSVAelement on transcript NM_000975.5; coding-DNA positions 391 to 392, an insertion.
Other names: NC_000001.11:g.23694786_23694787insSVA; NM_000975.3:c.391_392insSVA.
Identifiers: ClinVar variation 694738 (VCV000694738.1).